The following is an entry in ClinVar:

ClinVar aggregate classification (germline): Uncertain significance. Review status: criteria provided, multiple submitters, no conflicts (2 of 4 stars). 3 submissions from 3 submitters: Uncertain significance (3). Last evaluated 2026-01-28.

Conditions:
Cardiovascular phenotype. Identifiers: MedGen CN230736.
Dilated cardiomyopathy 1JJ (CMD1JJ). Identifiers: Orphanet 154, MedGen C3808935, MONDO:0014095, OMIM 615235.

Allele frequency attached by ClinVar (database versions not stated): TOPMed 0.00009.
gnomAD v4.1: 70 of 1,612,760 alleles (0.0043%); highest among the groups gnomAD compares: African/African-American, 0.029%; no homozygotes.

Submissions (3):

Labcorp Genetics (formerly Invitae), Labcorp
Classification: Uncertain significance for Dilated cardiomyopathy 1JJ. Last evaluated: 2026-01-28. Review status: criteria provided, single submitter. Criteria: Invitae Variant Classification Sherloc (09022015). Collection method: clinical testing. Allele origin: germline.
Comment: This sequence change replaces arginine, which is basic and polar, with histidine, which is basic and polar, at codon 1228 of the LAMA4 protein (p.Arg1228His). This variant is present in population databases (rs559725422, gnomAD 0.03%). This missense change has been observed in individual(s) with sudden unexplained death (PMID: 29247119). ClinVar contains an entry for this variant (Variation ID: 862452). Invitae Evidence Modeling of protein sequence and biophysical properties (such as structural, functional, and spatial information, amino acid conservation, physicochemical variation, residue mobility, and thermodynamic stability) indicates that this missense variant is not expected to disrupt LAMA4 protein function with a negative predictive value of 80%. In summary, the available evidence is currently insufficient to determine the role of this variant in disease. Therefore, it has been classified as a Variant of Uncertain Significance.

Ambry Genetics
Classification: Uncertain significance for Cardiovascular phenotype. Last evaluated: 2023-09-24. Review status: criteria provided, single submitter. Criteria: Ambry Variant Classification Scheme 2023. Collection method: clinical testing. Allele origin: germline.
Comment: The p.R1228H variant (also known as c.3683G>A), located in coding exon 27 of the LAMA4 gene, results from a G to A substitution at nucleotide position 3683. The arginine at codon 1228 is replaced by histidine, an amino acid with highly similar properties. This variant has been detected in a sudden unexplained death cohort (Lin Y et al. Circ Cardiovasc Genet, 2017 Dec;10:[Epub ahead of print]). This amino acid position is highly conserved in available vertebrate species. In addition, the in silico prediction for this alteration is inconclusive. Since supporting evidence is limited at this time, the clinical significance of this alteration remains unclear.

Fulgent Genetics
Classification: Uncertain significance for Dilated cardiomyopathy 1JJ. Last evaluated: 2021-08-10. Review status: criteria provided, single submitter. Criteria: ACMG Guidelines, 2015. Collection method: clinical testing. Allele origin: unknown.

Literature cited by the submitters: PubMed 29247119 (cited by Labcorp Genetics (formerly Invitae), Labcorp and Ambry Genetics).

NM_001105206.3(LAMA4):c.3704G>A (p.Arg1235His)

Gene: LAMA4 (laminin subunit alpha 4; minus strand). Cytogenetic location: 6q21.
Variant type: single nucleotide variant.
Coding change: c.3704G>A on transcript NM_001105206.3 (MANE Select); coding-DNA position 3704, G replaced by A.
Protein change: p.Arg1235His; replaces arginine 1235 with histidine.
Molecular consequence: missense variant.
Genome position (GRCh38, 1-based): chr6:112,132,883, C>T on the plus strand (G>A on the coding strand, the complement: LAMA4 is on the minus strand). VCF-style: chr6-112132883-C-T. GRCh37 (hg19) VCF-style: chr6-112454085-C-T.
Other names: c.3683G>A, p.Arg1228His (NM_001105207.3, NM_002290.5); short protein forms R1235H, R1228H.
Identifiers: ClinVar variation 862452 (VCV000862452.12), dbSNP rs559725422, ClinGen allele CA3965142.